The following is an entry in ClinVar:

NM_020461.4(TUBGCP6):c.519C>A (p.Ser173Arg)

Gene: TUBGCP6 (tubulin gamma complex component 6; minus strand). Cytogenetic location: 22q13.33.
Variant type: single nucleotide variant.
Coding change: c.519C>A on transcript NM_020461.4 (MANE Select); coding-DNA position 519, C replaced by A.
Protein change: p.Ser173Arg; replaces serine 173 with arginine.
Molecular consequence: missense variant.
Genome position (GRCh38, 1-based): chr22:50,243,941, G>T on the plus strand (C>A on the coding strand, the complement: TUBGCP6 is on the minus strand). VCF-style: chr22-50243941-G-T. GRCh37 (hg19) VCF-style: chr22-50682370-G-T.
Other names: c.519C>A (NM_020461.3); short protein forms S173R.
Identifiers: ClinVar variation 1919658 (VCV001919658.6), dbSNP rs760622076, ClinGen allele CA10309041.

ClinVar aggregate classification (germline): Conflicting classifications of pathogenicity. Review status: criteria provided, conflicting classifications (1 of 4 stars). 2 submissions from 2 submitters: Uncertain significance (1); Likely benign (1). Last evaluated 2024-04-12.

Conditions:
Inborn genetic diseases. Identifiers: MedGen C0950123, MeSH D030342.

Allele frequency attached by ClinVar (database versions not stated): gnomAD exomes 0.00001; gnomAD 0.00002; TOPMed 0.00004; ExAC 0.00006.
gnomAD v4.1: 22 of 1,614,020 alleles (0.0014%); highest among the groups gnomAD compares: East Asian, 0.047%; no homozygotes.

Submissions (2):

Ambry Genetics
Classification: Likely benign for Inborn genetic diseases. Last evaluated: 2024-04-12. Review status: criteria provided, single submitter. Criteria: Ambry Variant Classification Scheme 2023. Collection method: clinical testing. Allele origin: germline.

Labcorp Genetics (formerly Invitae), Labcorp
Classification: Uncertain significance. Last evaluated: 2022-08-02. Review status: criteria provided, single submitter. Criteria: Invitae Variant Classification Sherloc (09022015). Collection method: clinical testing. Allele origin: germline.
Comment: This sequence change replaces serine, which is neutral and polar, with arginine, which is basic and polar, at codon 173 of the TUBGCP6 protein (p.Ser173Arg). This variant is present in population databases (rs760622076, gnomAD 0.1%). This variant has not been reported in the literature in individuals affected with TUBGCP6-related conditions. Algorithms developed to predict the effect of missense changes on protein structure and function (SIFT, PolyPhen-2, Align-GVGD) all suggest that this variant is likely to be tolerated. In summary, the available evidence is currently insufficient to determine the role of this variant in disease. Therefore, it has been classified as a Variant of Uncertain Significance.